The following is an entry in ClinVar:

NM_000535.7(PMS2):c.447C>T (p.Tyr149=)

Gene: PMS2 (PMS1 homolog 2, mismatch repair system component; minus strand). Cytogenetic location: 7p22.1.
Variant type: single nucleotide variant.
Coding change: c.447C>T on transcript NM_000535.7 (MANE Select); coding-DNA position 447, C replaced by T.
Protein change: p.Tyr149=; no amino-acid change (tyrosine 149 retained).
Molecular consequence: synonymous variant. On other transcripts: 5 prime UTR variant (2), non-coding transcript variant (1).
Genome position (GRCh38, 1-based): chr7:6,002,543, G>A on the plus strand (C>T on the coding strand, the complement: PMS2 is on the minus strand). VCF-style: chr7-6002543-G-A. GRCh37 (hg19) VCF-style: chr7-6042174-G-A.
Other names: c.42C>T, p.Tyr14= (NM_001322003.2, NM_001322004.2, NM_001322005.2 and 3 more transcripts); c.447C>T, p.Tyr149= (NM_001322006.2, NM_001322014.2); c.129C>T, p.Tyr43= (NM_001322007.2, NM_001322008.2); c.-438C>T (NM_001322011.2, NM_001322012.2); c.138C>T, p.Tyr46= (NM_001322015.2).
Identifiers: ClinVar variation 927003 (VCV000927003.14), dbSNP rs1224505288, ClinGen allele CA453647653.
Genomic context (GRCh38, chr7:6,002,543, plus strand): 5'-GCGCACAGGTAGTGTGGAAAATAACTGCTGCACGCTGACTGTGGTCCCTCTGGGGCGGGG[G>A]TAGGGGGTTTTCTGGATAATTTTCCCATTGTGATCAAACATCAGTCGAGTTCCAACCTTC-3'
Protein context (NP_000526.2, residues 139-159): HNGKIIQKTP[Tyr149=]PRPRGTTVSV

ClinVar aggregate classification (germline): Benign/Likely benign. Review status: criteria provided, multiple submitters, no conflicts (2 of 4 stars). 5 submissions from 5 submitters: Benign (1); Likely benign (3). 1 of the submissions does not count toward it. Last evaluated 2025-08-24.

Conditions:
Hereditary cancer-predisposing syndrome. Also called: Neoplastic Syndromes, Hereditary; Tumor predisposition; Hereditary Cancer Syndrome; Hereditary neoplastic syndrome. Identifiers: Orphanet 140162, MedGen C0027672, MeSH D009386, MONDO:0015356.
Hereditary nonpolyposis colorectal neoplasms. Identifiers: MedGen C0009405, MeSH D003123.
Lynch syndrome 4 (LYNCH4). Also called: Colorectal cancer, hereditary nonpolyposis, type 4; Hereditary non-polyposis colorectal cancer, type 4. Identifiers: Orphanet 144, MedGen C1838333, MONDO:0013699, OMIM 614337. Disease mechanism: loss of function.

Allele frequency attached by ClinVar (database versions not stated): gnomAD exomes below 0.00001; TOPMed 0.00001.
gnomAD v4.1: 1 of 1,611,580 alleles (0.000062%); highest among the groups gnomAD compares: South Asian, 0.0011%; no homozygotes.

Submissions (5):

Labcorp Genetics (formerly Invitae), Labcorp
Classification: Likely benign for Hereditary nonpolyposis colorectal neoplasms. Last evaluated: 2025-08-24. Review status: criteria provided, single submitter. Criteria: Invitae Variant Classification Sherloc (09022015). Collection method: clinical testing. Allele origin: germline.

Myriad Genetics, Inc.
Classification: Benign for Lynch syndrome 4. Last evaluated: 2025-01-27. Review status: criteria provided, single submitter. Criteria: Myriad Autosomal Dominant, Autosomal Recessive and X-Linked Classification Criteria (2023). Collection method: clinical testing. Allele origin: unknown.
Comment: This variant is considered benign. This variant is a silent/synonymous amino acid change and it is not expected to impact splicing.

Ambry Genetics
Classification: Likely benign for Hereditary cancer-predisposing syndrome. Last evaluated: 2020-09-23. Review status: criteria provided, single submitter. Criteria: Ambry Variant Classification Scheme 2023. Collection method: clinical testing. Allele origin: germline.

Color Diagnostics, LLC DBA Color Health
Classification: Likely benign for Hereditary cancer-predisposing syndrome. Last evaluated: 2018-10-09. Review status: criteria provided, single submitter. Criteria: ACMG Guidelines, 2015. Collection method: clinical testing. Allele origin: germline.

Genetic Services Laboratory, University of Chicago
Classification: Likely benign. Last evaluated: 2022-07-14. Review status: no assertion criteria provided. Collection method: clinical testing. Allele origin: germline. Affected: no. Not counted in ClinVar's aggregate classification.